The following is an entry in ClinVar:

NM_000218.3(KCNQ1):c.1393+29584A>G

Genes: KCNQ1 (potassium voltage-gated channel subfamily Q member 1; plus strand), KCNQ1OT1 (KCNQ1 opposite strand/antisense transcript 1; minus strand). Cytogenetic location: 11p15.5.
Variant type: single nucleotide variant.
Coding change: c.1393+29584A>G on transcript NM_000218.3 (MANE Select); 29584 bases into the intron after coding-DNA position 1393, A replaced by G.
Molecular consequence: intron variant. On other transcripts: non-coding transcript variant (1).
Genome position (GRCh38, 1-based): chr11:2,618,438, A>G. VCF-style: chr11-2618438-A-G. GRCh37 (hg19) VCF-style: chr11-2639668-A-G.
Other names: c.1123+29584A>G (NM_001406837.1); c.1297+29584A>G (NM_001406836.1); c.853+29584A>G (NM_001406838.1); c.1012+29584A>G (NM_181798.2).
Identifiers: ClinVar variation 3905606 (VCV003905606.10).

ClinVar aggregate classification (germline): Benign (1 of 4 stars; one submission).

gnomAD v4.1: 299 of 398,562 alleles (0.075%); highest among the groups gnomAD compares: African/African-American, 0.56%; no homozygotes.

Submission:

CeGaT Center for Human Genetics Tuebingen
Classification: Benign. Last evaluated: 2025-05-01. Review status: criteria provided, single submitter. Criteria: CeGaT Center For Human Genetics Tuebingen Variant Classification Criteria Version 2. Collection method: clinical testing. Allele origin: germline. Affected: yes. Observed: 1 variant allele.
Comment: KCNQ1OT1: BS1, BS2